The following is an entry in ClinVar:

ClinVar aggregate classification (germline): Uncertain significance (1 of 4 stars; one submission).

Submission:

Labcorp Genetics (formerly Invitae), Labcorp
Classification: Uncertain significance. Last evaluated: 2023-06-20. Review status: criteria provided, single submitter. Criteria: Invitae Variant Classification Sherloc (09022015). Collection method: clinical testing. Allele origin: germline.
Comment: This sequence change replaces aspartic acid, which is acidic and polar, with glycine, which is neutral and non-polar, at codon 654 of the SIN3A protein (p.Asp654Gly). In summary, the available evidence is currently insufficient to determine the role of this variant in disease. Therefore, it has been classified as a Variant of Uncertain Significance. Advanced modeling of protein sequence and biophysical properties (such as structural, functional, and spatial information, amino acid conservation, physicochemical variation, residue mobility, and thermodynamic stability) performed at Invitae indicates that this missense variant is not expected to disrupt SIN3A protein function. This variant has not been reported in the literature in individuals affected with SIN3A-related conditions. This variant is not present in population databases (gnomAD no frequency).

NM_001145358.2(SIN3A):c.1961A>G (p.Asp654Gly)

Gene: SIN3A (SIN3 transcription regulator family member A; minus strand). Cytogenetic location: 15q24.2.
Variant type: single nucleotide variant.
Coding change: c.1961A>G on transcript NM_001145358.2 (MANE Select); coding-DNA position 1961, A replaced by G.
Protein change: p.Asp654Gly; replaces aspartic acid 654 with glycine.
Molecular consequence: missense variant.
Genome position (GRCh38, 1-based): chr15:75,396,390, T>C on the plus strand (A>G on the coding strand, the complement: SIN3A is on the minus strand). VCF-style: chr15-75396390-T-C. GRCh37 (hg19) VCF-style: chr15-75688731-T-C.
Other names: c.1961A>G, p.Asp654Gly (NM_001145357.2, NM_015477.3); short protein forms D654G.
Identifiers: ClinVar variation 2720103 (VCV002720103.3), dbSNP rs2542611298, ClinGen allele CA393495370.
Genomic context (GRCh38, chr15:75,396,390, plus strand): 5'-GCATATATCCTCTGGAGTGCTTTTCTATGGATGACTTCTGATGTGCCCCCAAGGGTGTTG[T>C]CCAAGCGAAATTTGGCTTGTTCTTCAGCAGACAAGCGGGAAAGCTTCTTCTGTATTGCTT-3'
Protein context (NP_001138830.1, residues 644-664): SAEEQAKFRL[Asp654Gly]NTLGGTSEVI